The following is an entry in ClinVar:

ClinVar aggregate classification (germline): Pathogenic (1 of 4 stars; one submission).

Conditions:
Hypertrophic cardiomyopathy. Also called: HYPERTROPHIC MYOCARDIOPATHY. Identifiers: Orphanet 217569, MedGen C0007194, MeSH D002312, MONDO:0005045, HP:0001639.

Submission:

Labcorp Genetics (formerly Invitae), Labcorp
Classification: Pathogenic for Hypertrophic cardiomyopathy. Last evaluated: 2023-01-07. Review status: criteria provided, single submitter. Criteria: Invitae Variant Classification Sherloc (09022015). Collection method: clinical testing. Allele origin: germline.
Comment: For these reasons, this variant has been classified as Pathogenic. This variant has not been reported in the literature in individuals affected with MYBPC3-related conditions. This variant is not present in population databases (gnomAD no frequency). This sequence change creates a premature translational stop signal (p.Glu223Aspfs*77) in the MYBPC3 gene. It is expected to result in an absent or disrupted protein product. Loss-of-function variants in MYBPC3 are known to be pathogenic (PMID: 19574547).

Literature cited by the submitters: PubMed 19574547.

NM_000256.3(MYBPC3):c.669del (p.Glu223fs)

Gene: MYBPC3 (myosin binding protein C3; minus strand). Cytogenetic location: 11p11.2.
Variant type: Deletion.
Coding change: c.669del on transcript NM_000256.3 (MANE Select); coding-DNA position 669, one base deleted (G; older notation c.669delG).
Protein change: p.Glu223fs; shifts the reading frame from glutamic acid 223.
Molecular consequence: frameshift variant.
Genome position (GRCh38, 1-based): chr11:47,348,527, C deleted on the plus strand (G on the coding strand, the reverse complement: MYBPC3 is on the minus strand). VCF-style (leftmost placement, unchanged base first): chr11-47348526-GC-G. GRCh37 (hg19) VCF-style: chr11-47370077-GC-G.
Other names: short protein forms E223fs.
Identifiers: ClinVar variation 2826738 (VCV002826738.3), dbSNP rs2495776992, ClinGen allele CA2739265963.